The following is an entry in ClinVar:

ClinVar aggregate classification (germline): Uncertain significance (1 of 4 stars; one submission).

Submission:

Labcorp Genetics (formerly Invitae), Labcorp
Classification: Uncertain significance. Last evaluated: 2022-05-24. Review status: criteria provided, single submitter. Criteria: Invitae Variant Classification Sherloc (09022015). Collection method: clinical testing. Allele origin: germline.
Comment: In summary, the available evidence is currently insufficient to determine the role of this variant in disease. Therefore, it has been classified as a Variant of Uncertain Significance. Algorithms developed to predict the effect of missense changes on protein structure and function are either unavailable or do not agree on the potential impact of this missense change (SIFT: "Tolerated"; PolyPhen-2: "Possibly Damaging"; Align-GVGD: "Class C0"). This variant has not been reported in the literature in individuals affected with HOXB13-related conditions. This variant is not present in population databases (gnomAD no frequency). This sequence change replaces phenylalanine, which is neutral and non-polar, with serine, which is neutral and polar, at codon 127 of the HOXB13 protein (p.Phe127Ser).

NM_006361.6(HOXB13):c.380T>C (p.Phe127Ser)

Gene: HOXB13 (homeobox B13; minus strand). Cytogenetic location: 17q21.32.
Variant type: single nucleotide variant.
Coding change: c.380T>C on transcript NM_006361.6 (MANE Select); coding-DNA position 380, T replaced by C.
Protein change: p.Phe127Ser; replaces phenylalanine 127 with serine.
Molecular consequence: missense variant.
Genome position (GRCh38, 1-based): chr17:48,728,214, A>G on the plus strand (T>C on the coding strand, the complement: HOXB13 is on the minus strand). VCF-style: chr17-48728214-A-G. GRCh37 (hg19) VCF-style: chr17-46805576-A-G.
Other names: short protein forms F127S.
Identifiers: ClinVar variation 1998307 (VCV001998307.4), dbSNP rs1308777323, ClinGen allele CA400107581.